The following is an entry in ClinVar:

NM_032228.6(FAR1):c.773G>A (p.Gly258Glu)

Gene: FAR1 (fatty acyl-CoA reductase 1; plus strand). Cytogenetic location: 11p15.3.
Variant type: single nucleotide variant.
Coding change: c.773G>A on transcript NM_032228.6 (MANE Select); coding-DNA position 773, G replaced by A.
Protein change: p.Gly258Glu; replaces glycine 258 with glutamic acid.
Molecular consequence: missense variant. On other transcripts: intron variant (3).
Genome position (GRCh38, 1-based): chr11:13,711,932, G>A. VCF-style: chr11-13711932-G-A. GRCh37 (hg19) VCF-style: chr11-13733479-G-A.
Other names: c.546-1034G>A (NM_001441249.1); c.545+3853G>A (NM_001441250.1); c.773G>A, p.Gly258Glu (NM_001441242.1, NM_001441243.1, NM_001441245.1 and 1 more transcripts); c.728G>A, p.Gly243Glu (NM_001441244.1); c.593G>A, p.Gly198Glu (NM_001441246.1); c.590+124G>A (NM_001441248.1); short protein forms G198E, G243E, G258E.
Identifiers: ClinVar variation 4885612 (VCV004885612.2).

ClinVar aggregate classification (germline): Uncertain significance (1 of 4 stars; one submission).

Submission:

Dasa
Classification: Uncertain significance. Last evaluated: 2026-04-06. Review status: criteria provided, single submitter. Criteria: DASA Assertion Criteria. Collection method: clinical testing. Allele origin: germline.
Comment: NM_032228.6(FAR1):c.773G>A (p.Gly258Glu) is a missense variant that results in the substitution of glycine with glutamic acid. This variant is rare in population databases. Computational prediction algorithms are consistent with a deleterious effect. The currently available literature and clinical evidence are not sufficient to establish a definitive association between this variant and the reported condition. Therefore, this variant is classified as a variant of uncertain significance.